The following is an entry in ClinVar:

ClinVar aggregate classification (germline): Uncertain significance (1 of 4 stars; one submission).

Conditions:
Hereditary spastic paraplegia 11. Also called: Spastic Paraplegia 11; SPASTIC PARAPLEGIA, AUTOSOMAL RECESSIVE, COMPLICATED, WITH THIN CORPUS CALLOSUM; SPASTIC PARAPLEGIA, AUTOSOMAL RECESSIVE, WITH MENTAL IMPAIRMENT AND THIN CORPUS CALLOSUM; Nakamura Osame syndrome; Autosomal recessive hereditary spastic paraplegia, mental impairment, and thin corpus callosum; Spastic paraplegia, mental retardation and thin corpus callosum. Identifiers: Orphanet 2822, MedGen C1858479, MONDO:0011445, OMIM 604360.

Allele frequency attached by ClinVar (database versions not stated): TOPMed below 0.00001; gnomAD 0.00001; gnomAD exomes 0.00001.
gnomAD v4.1: 15 of 1,613,742 alleles (0.00093%); highest among the groups gnomAD compares: Non-Finnish European, 0.0013%; no homozygotes.

Submission:

Labcorp Genetics (formerly Invitae), Labcorp
Classification: Uncertain significance for Hereditary spastic paraplegia 11. Last evaluated: 2022-06-13. Review status: criteria provided, single submitter. Criteria: Invitae Variant Classification Sherloc (09022015). Collection method: clinical testing. Allele origin: germline.
Comment: This sequence change replaces phenylalanine, which is neutral and non-polar, with isoleucine, which is neutral and non-polar, at codon 289 of the SPG11 protein (p.Phe289Ile). This variant is not present in population databases (gnomAD no frequency). This variant has not been reported in the literature in individuals affected with SPG11-related conditions. ClinVar contains an entry for this variant (Variation ID: 567115). Algorithms developed to predict the effect of missense changes on protein structure and function are either unavailable or do not agree on the potential impact of this missense change (SIFT: "Deleterious"; PolyPhen-2: "Possibly Damaging"; Align-GVGD: "Class C0"). In summary, the available evidence is currently insufficient to determine the role of this variant in disease. Therefore, it has been classified as a Variant of Uncertain Significance.

NM_025137.4(SPG11):c.865T>A (p.Phe289Ile)

Gene: SPG11 (SPG11 vesicle trafficking associated, spatacsin; minus strand). Cytogenetic location: 15q21.1.
Variant type: single nucleotide variant.
Coding change: c.865T>A on transcript NM_025137.4 (MANE Select); coding-DNA position 865, T replaced by A.
Protein change: p.Phe289Ile; replaces phenylalanine 289 with isoleucine.
Molecular consequence: missense variant.
Genome position (GRCh38, 1-based): chr15:44,657,099, A>T on the plus strand (T>A on the coding strand, the complement: SPG11 is on the minus strand). VCF-style: chr15-44657099-A-T. GRCh37 (hg19) VCF-style: chr15-44949297-A-T.
Other names: c.865T>A, p.Phe289Ile (NM_001160227.2); short protein forms F289I.
Identifiers: ClinVar variation 567115 (VCV000567115.7), dbSNP rs1316470185, ClinGen allele CA392237124.